The following is an entry in ClinVar:

ClinVar aggregate classification (germline): Pathogenic/Likely pathogenic. Review status: criteria provided, multiple submitters, no conflicts (2 of 4 stars). 4 submissions from 4 submitters: Pathogenic (2); Likely pathogenic (1). 1 of the submissions does not count toward it. Last evaluated 2025-10-25.

Conditions:
Renal hypomagnesemia 5 with ocular involvement. Also called: FHHNC WITH SEVERE OCULAR INVOLVEMENT; HYPOMAGNESEMIA, FAMILIAL, WITH HYPERCALCIURIA, NEPHROCALCINOSIS, AND SEVERE OCULAR INVOLVEMENT; MACULAR COLOBOMA, BILATERAL, WITH HYPERCALCIURIA; HYPOMAGNESEMIA 5, RENAL, WITH OR WITHOUT OCULAR INVOLVEMENT. Identifiers: Orphanet 2196, MedGen C4721891, MONDO:0009548, OMIM 248190.

Allele frequency attached by ClinVar (database versions not stated): TOPMed 0.00003.

Submissions (4):

Labcorp Genetics (formerly Invitae), Labcorp
Classification: Pathogenic. Last evaluated: 2025-10-25. Review status: criteria provided, single submitter. Criteria: Invitae Variant Classification Sherloc (09022015). Collection method: clinical testing. Allele origin: germline.
Comment: This sequence change replaces leucine, which is neutral and non-polar, with arginine, which is basic and polar, at codon 90 of the CLDN19 protein (p.Leu90Arg). This variant is not present in population databases (gnomAD no frequency). This missense change has been observed in individuals with familial hypomagnesemia with hypercalciuria and nephrocalcinosis (PMID: 27530400). It has also been observed to segregate with disease in related individuals. ClinVar contains an entry for this variant (Variation ID: 548636). An algorithm developed to predict the effect of missense changes on protein structure and function (PolyPhen-2) suggests that this variant is likely to be disruptive. For these reasons, this variant has been classified as Pathogenic.

Dasa
Classification: Pathogenic. Last evaluated: 2025-04-13. Review status: criteria provided, single submitter. Criteria: DASA Assertion Criteria. Collection method: clinical testing. Allele origin: germline.
Comment: NM_148960.3(CLDN19):c.269T>G (p.Leu90Arg) is a missense variant that results in the substitution of leucine with arginine. Segregation evidence has been reported in affected families. This variant has been observed in affected individuals with related phenotype in a genotype context consistent with recessive disease (PMID: 27530400). This variant has been reported in individuals with related phenotype (PMID: 27530400). Multiple computational predictions support a deleterious effect on the gene or gene product. The variant is present at low frequency in population datasets. Based on the available data, this variant is classified as pathogenic.

3billion
Classification: Likely pathogenic for Renal hypomagnesemia 5 with ocular involvement. Last evaluated: 2022-01-03. Review status: criteria provided, single submitter. Criteria: ACMG Guidelines, 2015. Collection method: clinical testing. Allele origin: germline. Affected: yes. Observed: 1 heterozygote.
Comment: The variant was co-segregated with Hypomagnesemia 5, renal, with ocular involvement in multiple affected family members with additional meioses meeting (PMID: 27530400, PP1_M).The variant has been reported to be in trans with a pathogenic variant as either compound heterozygous or homozygous in at least one similarly affected unrelated individual (PMID: 27530400, PM3_M). A different missense change at the same codon has been reported to be associated with CLDN19 related disorder (ClinVar ID: VCV000001363, PMID:17033971, PM5_P). In silico tool predictions suggest damaging effect of the variant on gene or gene product (REVEL: 0.955, 3CNET: 0.839, PP3_P). A missense variant is a common mechanism associated with Hypomagnesemia 5 (PP2_P). It is not observed in the gnomAD v2.1.1 dataset (PM2_M). Therefore, this variant is classified as likely pathogenic according to the recommendation of ACMG/AMP guideline.

OMIM
Classification: Pathogenic for HYPOMAGNESEMIA 5, RENAL, WITH OR WITHOUT OCULAR INVOLVEMENT. Last evaluated: 2018-07-10. Review status: no assertion criteria provided. Collection method: literature only. Allele origin: germline. Not counted in ClinVar's aggregate classification.

Literature cited by the submitters: PubMed 27530400 (cited by 4 submitters); PubMed 17033971 (cited by 3billion).

NM_148960.3(CLDN19):c.269T>G (p.Leu90Arg)

Gene: CLDN19 (claudin 19; minus strand). Cytogenetic location: 1p34.2.
Variant type: single nucleotide variant.
Coding change: c.269T>G on transcript NM_148960.3 (MANE Select); coding-DNA position 269, T replaced by G.
Protein change: p.Leu90Arg; replaces leucine 90 with arginine.
Molecular consequence: missense variant.
Genome position (GRCh38, 1-based): chr1:42,738,540, A>C on the plus strand (T>G on the coding strand, the complement: CLDN19 is on the minus strand). VCF-style: chr1-42738540-A-C. GRCh37 (hg19) VCF-style: chr1-43204211-A-C.
Other names: c.269T>G, p.Leu90Arg (NM_001123395.2, NM_001185117.2); short protein forms L90R.
Identifiers: ClinVar variation 548636 (VCV000548636.9), dbSNP rs118203981, ClinGen allele CA21236999.